The following is an entry in ClinVar:

NM_201384.3(PLEC):c.7138G>A (p.Ala2380Thr)

Gene: PLEC (plectin; minus strand). Cytogenetic location: 8q24.3.
Variant type: single nucleotide variant.
Coding change: c.7138G>A on transcript NM_201384.3 (MANE Select); coding-DNA position 7138, G replaced by A.
Protein change: p.Ala2380Thr; replaces alanine 2380 with threonine.
Molecular consequence: missense variant.
Genome position (GRCh38, 1-based): chr8:143,922,791, C>T on the plus strand (G>A on the coding strand, the complement: PLEC is on the minus strand). VCF-style: chr8-143922791-C-T. GRCh37 (hg19) VCF-style: chr8-144996959-C-T.
Other names: c.7219G>A, p.Ala2407Thr (NM_000445.5); c.7096G>A, p.Ala2366Thr (NM_201378.4); c.7072G>A, p.Ala2358Thr (NM_201379.3); c.7549G>A, p.Ala2517Thr (NM_201380.4); c.7150G>A, p.Ala2384Thr (NM_201383.3); c.7042G>A, p.Ala2348Thr (NM_201381.3); c.7138G>A, p.Ala2380Thr (NM_201382.4); c.7219G>A (NM_000445.3); short protein forms A2366T, A2517T, A2358T, A2384T, A2407T, A2348T, A2380T.
Identifiers: ClinVar variation 2064527 (VCV002064527.7), dbSNP rs531930290, ClinGen allele CA4925745.
Genomic context (GRCh38, chr8:143,922,791, plus strand): 5'-CAGCGCGGGCCTGGGCTCGGCTCATCTCGGCCACACGCAGCTTGAGGCGCTCAGCCTCAG[C>T]GCTCATCTCCAGCTGCCGCTGCCGCTCGGCCTCCAGCGTCCGCTGGAAGCCCTGCGTCTC-3'
Protein context (NP_958786.1, residues 2370-2390): AERQRQLEMS[Ala2380Thr]EAERLKLRVA

ClinVar aggregate classification (germline): Uncertain significance. Review status: criteria provided, multiple submitters, no conflicts (2 of 4 stars). 2 submissions from 2 submitters: Uncertain significance (2). Last evaluated 2025-12-20.

Conditions:
Epidermolysis bullosa simplex 5B, with muscular dystrophy (EBS5B). Also called: EPIDERMOLYSIS BULLOSA SIMPLEX AND LIMB-GIRDLE MUSCULAR DYSTROPHY; Epidermolysis bullosa simplex with muscular dystrophy. Identifiers: Orphanet 257, MedGen C2931072, MONDO:0009181, OMIM 226670.
Epidermolysis bullosa simplex 5C, with pyloric atresia (EBS5C). Also called: Epidermolysis bullosa simplex with pyloric atresia; PLEC-Related Epidermolysis Bullosa with Pyloric Atresia; PLEC1-Related Epidermolysis Bullosa with Pyloric Atresia. Identifiers: Orphanet 158684, MedGen C2677349, MONDO:0012807, OMIM 612138.
Epidermolysis bullosa simplex with nail dystrophy (EBS5D). Identifiers: MedGen C4225309, MONDO:0014661, OMIM 616487.
Autosomal recessive limb-girdle muscular dystrophy type 2Q (LGMDR17). Also called: MUSCULAR DYSTROPHY, LIMB-GIRDLE, AUTOSOMAL RECESSIVE 17. Identifiers: Orphanet 254361, MedGen C3150989, MONDO:0013390, OMIM 613723.
Epidermolysis bullosa simplex, Ogna type (EBS5A). Also called: Pidermolysis bullosa simplex 5A, Ogna type; EPIDERMOLYSIS BULLOSA SIMPLEX 5A, OGNA TYPE. Identifiers: Orphanet 79401, MedGen C0432317, MONDO:0007555, OMIM 131950.

Allele frequency attached by ClinVar (database versions not stated): gnomAD 0.00002; TOPMed 0.00002; ExAC 0.00006; 1000 Genomes Project 30x 0.00016; 1000 Genomes Project 0.00020.

Submissions (2):

Labcorp Genetics (formerly Invitae), Labcorp
Classification: Uncertain significance for Autosomal recessive limb-girdle muscular dystrophy type 2Q; Epidermolysis bullosa simplex, Ogna type; Epidermolysis bullosa simplex with nail dystrophy; Epidermolysis bullosa simplex 5C, with pyloric atresia; Epidermolysis bullosa simplex 5B, with muscular dystrophy. Last evaluated: 2025-12-20. Review status: criteria provided, single submitter. Criteria: Invitae Variant Classification Sherloc (09022015). Collection method: clinical testing. Allele origin: germline.
Comment: This sequence change replaces alanine, which is neutral and non-polar, with threonine, which is neutral and polar, at codon 2407 of the PLEC protein (p.Ala2407Thr). This variant is present in population databases (rs531930290, gnomAD 0.01%). This variant has not been reported in the literature in individuals affected with PLEC-related conditions. ClinVar contains an entry for this variant (Variation ID: 2064527). An algorithm developed to predict the effect of missense changes on protein structure and function (PolyPhen-2) suggests that this variant is likely to be tolerated. In summary, the available evidence is currently insufficient to determine the role of this variant in disease. Therefore, it has been classified as a Variant of Uncertain Significance.

Revvity Omics, Revvity
Classification: Uncertain significance. Last evaluated: 2019-07-05. Review status: criteria provided, single submitter. Criteria: ACMG Guidelines, 2015. Collection method: clinical testing. Allele origin: germline.